The following is an entry in ClinVar:

ClinVar aggregate classification (germline): Likely benign (1 of 4 stars; one submission).

Allele frequency attached by ClinVar (database versions not stated): ExAC 0.00001; gnomAD 0.00001; TOPMed 0.00002; 1000 Genomes Project 0.00020; 1000 Genomes Project 30x 0.00031.
gnomAD v4.1: 1 of 1,612,440 alleles (0.000062%); highest among the groups gnomAD compares: Admixed American, 0.0017%; no homozygotes.

Submission:

GeneDx
Classification: Likely benign. Last evaluated: 2017-08-18. Review status: criteria provided, single submitter. Criteria: GeneDx Variant Classification (06012015). Collection method: clinical testing. Allele origin: germline. Affected: yes.
Comment: This variant is considered likely benign or benign based on one or more of the following criteria: it is a conservative change, it occurs at a poorly conserved position in the protein, it is predicted to be benign by multiple in silico algorithms, and/or has population frequency not consistent with disease.

NM_000088.4(COL1A1):c.2397+13G>A

Gene: COL1A1 (collagen type I alpha 1 chain; minus strand). Cytogenetic location: 17q21.33.
Variant type: single nucleotide variant.
Coding change: c.2397+13G>A on transcript NM_000088.4 (MANE Select); 13 bases into the intron after coding-DNA position 2397, G replaced by A.
Molecular consequence: intron variant.
Genome position (GRCh38, 1-based): chr17:50,190,530, C>T on the plus strand (G>A on the coding strand, the complement: COL1A1 is on the minus strand). VCF-style: chr17-50190530-C-T. GRCh37 (hg19) VCF-style: chr17-48267891-C-T.
Identifiers: ClinVar variation 511586 (VCV000511586.1), dbSNP rs200821764, ClinGen allele CA8644838.